The following is an entry in ClinVar:

NM_001844.5(COL2A1):c.2102G>A (p.Arg701Gln)

Gene: COL2A1 (collagen type II alpha 1 chain; minus strand). Cytogenetic location: 12q13.11.
Variant type: single nucleotide variant.
Coding change: c.2102G>A on transcript NM_001844.5 (MANE Select); coding-DNA position 2102, G replaced by A.
Protein change: p.Arg701Gln; replaces arginine 701 with glutamine.
Molecular consequence: missense variant.
Genome position (GRCh38, 1-based): chr12:47,982,939, C>T on the plus strand (G>A on the coding strand, the complement: COL2A1 is on the minus strand). VCF-style: chr12-47982939-C-T. GRCh37 (hg19) VCF-style: chr12-48376722-C-T.
Other names: c.1895G>A, p.Arg632Gln (NM_033150.3); short protein forms R632Q, R701Q.
Identifiers: ClinVar variation 1942916 (VCV001942916.7), dbSNP rs781555326, ClinGen allele CA6535217.

ClinVar aggregate classification (germline): Uncertain significance. Review status: criteria provided, multiple submitters, no conflicts (2 of 4 stars). 2 submissions from 2 submitters: Uncertain significance (2). Last evaluated 2025-10-13.

Conditions:
Achondrogenesis type II (ACG2). Also called: CHONDROGENESIS IMPERFECTA; ACHONDROGENESIS, LANGER-SALDINO TYPE. Identifiers: Orphanet 932, Orphanet 93296, MedGen C0220685, MONDO:0008702, OMIM 200610.
Avascular necrosis of femoral head, primary, 1 (ANFH1). Also called: Avascular necrosis of femoral head, primary. Identifiers: Orphanet 86820, MedGen C4551562, MONDO:0054550, OMIM 608805.
Platyspondylic dysplasia, Torrance type (PLSDT). Identifiers: Orphanet 85166, MedGen C1835437, MONDO:0007895, OMIM 151210.
Spondyloepiphyseal dysplasia congenita (SEDC). Also called: SED CONGENITA; SPONDYLOEPIPHYSEAL DYSPLASIA, CONGENITAL TYPE. Identifiers: Orphanet 94068, MedGen C2745959, MONDO:0008471, OMIM 183900.
Multiple epiphyseal dysplasia, Beighton type. Identifiers: Orphanet 166011, MedGen C1851536, MONDO:0007562, OMIM 132450.
Spondyloperipheral dysplasia. Also called: Spondyloperipheral dysplasia-short ulna syndrome; SPONDYLOPERIPHERAL DYSPLASIA WITH SHORT ULNA. Identifiers: Orphanet 1856, MedGen C0796173, MONDO:0010078, OMIM 271700.
Stickler syndrome type 1 (STL1). Also called: ARTHROOPHTHALMOPATHY, HEREDITARY PROGRESSIVE; STICKLER SYNDROME, MEMBRANOUS VITREOUS TYPE; STICKLER SYNDROME, VITREOUS TYPE 1; COL2A1-Related Stickler Syndrome. Identifiers: Orphanet 828, Orphanet 90653, MedGen C2020284, MONDO:0007160, OMIM 108300.
Vitreoretinopathy with phalangeal epiphyseal dysplasia (VPED). Identifiers: MedGen C1852989, MONDO:0031001, OMIM 619248.
Spondyloepiphyseal dysplasia with metatarsal shortening. Also called: Pseudorheumatoid dysplasia progressive, with hypoplastic toes; CZECH DYSPLASIA, METATARSAL TYPE; SPONDYLOEPIPHYSEAL DYSPLASIA WITH PRECOCIOUS OSTEOARTHRITIS. Identifiers: Orphanet 137678, MedGen C1836683, MONDO:0012206, OMIM 609162.
Legg-Calve-Perthes disease. Also called: Avascular necrosis of the capital femoral epiphysis; PERTHES DISEASE; Osteochondritis deformans; Coxa plana. Identifiers: Orphanet 2380, MedGen C1442965, MONDO:0007885, OMIM 150600, HP:0005743.
Kniest dysplasia. Identifiers: Orphanet 485, MedGen C0265279, MONDO:0007987, OMIM 156550.
Namaqualand hip dysplasia (OSCDP). Also called: Mild spondyloepiphyseal dysplasia due to COL2A1 mutation with early-onset osteoarthritis. Identifiers: Orphanet 93279, MedGen C0432214, MONDO:0011496, OMIM 604864.
Stickler syndrome, type I, nonsyndromic ocular. Also called: STICKLER SYNDROME, ATYPICAL; STICKLER SYNDROME, TYPE I, PREDOMINANTLY OCULAR. Identifiers: MedGen C1836080, MONDO:0012287, OMIM 609508.
Spondyloepiphyseal dysplasia, Stanescu type. Also called: SED, STANESCU TYPE; SPONDYLOEPIMETAPHYSEAL DYSPLASIA, STANESCU TYPE. Identifiers: Orphanet 459051, MedGen C4225273, MONDO:0014701, OMIM 616583.
Spondyloepimetaphyseal dysplasia, Strudwick type (SEMDSTWK). Also called: DAPPLED METAPHYSIS SYNDROME; STRUDWICK SYNDROME. Identifiers: Orphanet 93346, MedGen C0700635, MONDO:0008476, OMIM 184250.

Allele frequency attached by ClinVar (database versions not stated): gnomAD exomes below 0.00001; ExAC 0.00001.

Submissions (2):

Labcorp Genetics (formerly Invitae), Labcorp
Classification: Uncertain significance. Last evaluated: 2025-10-13. Review status: criteria provided, single submitter. Criteria: Invitae Variant Classification Sherloc (09022015). Collection method: clinical testing. Allele origin: germline.
Comment: This sequence change replaces arginine, which is basic and polar, with glutamine, which is neutral and polar, at codon 701 of the COL2A1 protein (p.Arg701Gln). This variant is not present in population databases (gnomAD no frequency). This variant has not been reported in the literature in individuals affected with COL2A1-related conditions. ClinVar contains an entry for this variant (Variation ID: 1942916). Invitae Evidence Modeling of protein sequence and biophysical properties (such as structural, functional, and spatial information, amino acid conservation, physicochemical variation, residue mobility, and thermodynamic stability) has been performed for this missense variant. However, the output from this modeling did not meet the statistical confidence thresholds required to predict the impact of this variant on COL2A1 protein function. In summary, the available evidence is currently insufficient to determine the role of this variant in disease. Therefore, it has been classified as a Variant of Uncertain Significance.

Juno Genomics, Hangzhou Juno Genomics, Inc
Classification: Uncertain significance for Multiple epiphyseal dysplasia, Beighton type; Vitreoretinopathy with phalangeal epiphyseal dysplasia; Achondrogenesis type II; Avascular necrosis of femoral head, primary, 1; Spondyloepiphyseal dysplasia with metatarsal shortening; Kniest dysplasia; Legg-Calve-Perthes disease; Namaqualand hip dysplasia; Platyspondylic dysplasia, Torrance type; Spondyloepiphyseal dysplasia congenita; Spondyloepimetaphyseal dysplasia, Strudwick type; Spondyloepiphyseal dysplasia, Stanescu type; Spondyloperipheral dysplasia; Stickler syndrome type 1; Stickler syndrome, type I, nonsyndromic ocular. Review status: criteria provided, single submitter. Criteria: ACMG Guidelines, 2015. Collection method: clinical testing. Allele origin: germline.
Comment: Absent from controls (or at extremely low frequency if recessive) in Genome Aggregation Database.;Multiple lines of computational evidence support a deleterious effect on the gene or gene product.